The following is an entry in ClinVar:

ClinVar aggregate classification (germline): Likely benign. Review status: criteria provided, single submitter (1 of 4 stars). 2 submissions from 2 submitters: Likely benign (1). 1 of the submissions does not count toward it. Last evaluated 2022-02-12.

Conditions:
POLQ-related disorder. Also called: POLQ-related condition.

Allele frequency attached by ClinVar (database versions not stated): TOPMed 0.00042; gnomAD 0.00048; ExAC 0.00056; ESP Exome Variant Server 0.00062.
gnomAD v4.1: 1,171 of 1,526,464 alleles (0.077%); highest among the groups gnomAD compares: Non-Finnish European, 0.1%; no homozygotes.

Submissions (2):

Ambry Genetics
Classification: Likely benign. Last evaluated: 2022-02-12. Review status: criteria provided, single submitter. Criteria: Ambry Variant Classification Scheme 2023. Collection method: clinical testing. Allele origin: germline.

PreventionGenetics, part of Exact Sciences
Classification: Likely benign for POLQ-related condition. Last evaluated: 2019-04-08. Review status: no assertion criteria provided. Collection method: clinical testing. Allele origin: germline. Not counted in ClinVar's aggregate classification.
Comment: This variant is classified as likely benign based on ACMG/AMP sequence variant interpretation guidelines (Richards et al. 2015 PMID: 25741868, with internal and published modifications).

NM_199420.4(POLQ):c.7248C>T (p.Phe2416=)

Gene: POLQ (DNA polymerase theta; minus strand). Cytogenetic location: 3q13.33.
Variant type: single nucleotide variant.
Coding change: c.7248C>T on transcript NM_199420.4 (MANE Select); coding-DNA position 7248, C replaced by T.
Protein change: p.Phe2416=; no amino-acid change (phenylalanine 2416 retained).
Molecular consequence: synonymous variant.
Genome position (GRCh38, 1-based): chr3:121,449,331, G>A on the plus strand (C>T on the coding strand, the complement: POLQ is on the minus strand). VCF-style: chr3-121449331-G-A. GRCh37 (hg19) VCF-style: chr3-121168178-G-A.
Identifiers: ClinVar variation 1757892 (VCV001757892.4), dbSNP rs377717694, ClinGen allele CA2562233.